The following is an entry in ClinVar:

ClinVar aggregate classification (germline): Uncertain significance (1 of 4 stars; one submission).

Conditions:
Hearing impairment. Also called: Impaired Hearing. Identifiers: MedGen C1384666, MONDO:0005365, HP:0000365.

Submission:

Department of Otolaryngology – Head & Neck Surgery, Cochlear Implant Center
Classification: Uncertain significance for Hearing impairment. Last evaluated: 2021-04-12. Review status: criteria provided, single submitter. Criteria: ClinGen HL ACMG Specifications v1. Collection method: clinical testing. Allele origin: germline. Affected: yes.
Comment: PM2_Moderate, BP4_Supporting

NM_000092.5(COL4A4):c.3736G>A (p.Ala1246Thr)

Gene: COL4A4 (collagen type IV alpha 4 chain; minus strand). Cytogenetic location: 2q36.3.
Variant type: single nucleotide variant.
Coding change: c.3736G>A on transcript NM_000092.5 (MANE Select); coding-DNA position 3736, G replaced by A.
Protein change: p.Ala1246Thr; replaces alanine 1246 with threonine.
Molecular consequence: missense variant.
Genome position (GRCh38, 1-based): chr2:227,032,026, C>T on the plus strand (G>A on the coding strand, the complement: COL4A4 is on the minus strand). VCF-style: chr2-227032026-C-T. GRCh37 (hg19) VCF-style: chr2-227896742-C-T.
Other names: short protein forms A1246T.
Identifiers: ClinVar variation 1064926 (VCV001064926.3), dbSNP rs2149978588, ClinGen allele CA350837653.